The following is an entry in ClinVar:

ClinVar aggregate classification (germline): Likely benign. Review status: criteria provided, multiple submitters, no conflicts (2 of 4 stars). 3 submissions from 3 submitters: Likely benign (2). 1 of the submissions does not count toward it. Last evaluated 2026-01-06.

Conditions:
EZH2-related disorder.
Weaver syndrome (WVS). Also called: Weaver Smith syndrome; Overgrowth syndrome with accelerated skeletal maturation, unusual facies, and camptodactyly. Identifiers: Orphanet 3447, MedGen C0265210, MONDO:0010193, OMIM 277590.

Allele frequency attached by ClinVar (database versions not stated): gnomAD exomes 0.00008; gnomAD 0.00016; ExAC 0.00017; TOPMed 0.00017; ESP Exome Variant Server 0.00023.
gnomAD v4.1: 159 of 1,597,808 alleles (0.01%); highest among the groups gnomAD compares: African/African-American, 0.058%; no homozygotes.

Submissions (3):

Labcorp Genetics (formerly Invitae), Labcorp
Classification: Likely benign for Weaver syndrome. Last evaluated: 2026-01-06. Review status: criteria provided, single submitter. Criteria: Invitae Variant Classification Sherloc (09022015). Collection method: clinical testing. Allele origin: germline.

GeneDx
Classification: Likely benign. Last evaluated: 2020-02-06. Review status: criteria provided, single submitter. Criteria: GeneDx Variant Classification Process June 2021. Collection method: clinical testing. Allele origin: germline. Affected: yes.

PreventionGenetics, part of Exact Sciences
Classification: Likely benign for EZH2-related condition. Last evaluated: 2019-09-12. Review status: no assertion criteria provided. Collection method: clinical testing. Allele origin: germline. Not counted in ClinVar's aggregate classification.
Comment: This variant is classified as likely benign based on ACMG/AMP sequence variant interpretation guidelines (Richards et al. 2015 PMID: 25741868, with internal and published modifications).

NM_004456.5(EZH2):c.2226C>T (p.Val742=)

Gene: EZH2 (enhancer of zeste 2 polycomb repressive complex 2 subunit; minus strand). Cytogenetic location: 7q36.1.
Variant type: single nucleotide variant.
Coding change: c.2226C>T on transcript NM_004456.5 (MANE Select); coding-DNA position 2226, C replaced by T.
Protein change: p.Val742=; no amino-acid change (valine 742 retained).
Molecular consequence: synonymous variant.
Genome position (GRCh38, 1-based): chr7:148,807,676, G>A on the plus strand (C>T on the coding strand, the complement: EZH2 is on the minus strand). VCF-style: chr7-148807676-G-A. GRCh37 (hg19) VCF-style: chr7-148504768-G-A.
Other names: c.2211C>T, p.Val737= (NM_001203247.2); c.2184C>T, p.Val728= (NM_001203248.2); c.2058C>T, p.Val686= (NM_001203249.2); c.2094C>T, p.Val698= (NM_152998.3).
Identifiers: ClinVar variation 416830 (VCV000416830.16), dbSNP rs148228353, ClinGen allele CA4547659.